The following is an entry in ClinVar:

NM_000061.3(BTK):c.669T>A (p.Tyr223Ter)

Gene: BTK (Bruton tyrosine kinase; minus strand). Cytogenetic location: Xq22.1.
Variant type: single nucleotide variant.
Coding change: c.669T>A on transcript NM_000061.3 (MANE Select); coding-DNA position 669, T replaced by A.
Protein change: p.Tyr223Ter; replaces tyrosine 223 with a stop codon.
Molecular consequence: nonsense.
Genome position (GRCh38, 1-based): chrX:101,360,675, A>T on the plus strand (T>A on the coding strand, the complement: BTK is on the minus strand). VCF-style: chrX-101360675-A-T. GRCh37 (hg19) VCF-style: chrX-100615663-A-T.
Other names: c.771T>A, p.Tyr257Ter (NM_001287344.2); c.669T>A, p.Tyr223Ter (NM_001287345.2); short protein forms Y223*, Y257*.
Identifiers: ClinVar variation 379478 (VCV000379478.2), dbSNP rs1057520612, ClinGen allele CA16608652.

ClinVar aggregate classification (germline): Pathogenic (1 of 4 stars; one submission).

Submission:

GeneDx
Classification: Pathogenic. Last evaluated: 2015-03-31. Review status: criteria provided, single submitter. Criteria: GeneDx Variant Classification (06012015). Collection method: clinical testing. Allele origin: germline. Affected: yes.
Comment: The Y223X nonsense variant in the BTK gene has been reported previously in association with X-linkedagammaglobulinemia (Conley et al., 2005). This variant is predicted to cause loss of normal protein function either through protein truncation ornonsense-mediated mRNA decay. We interpret Y223X as a pathogenic variant.